The following is an entry in ClinVar:

NM_001388492.1(HTT):c.410A>G (p.Asp137Gly)

Gene: HTT (huntingtin; plus strand). Cytogenetic location: 4p16.3.
Variant type: single nucleotide variant.
Coding change: c.410A>G on transcript NM_001388492.1 (MANE Select); coding-DNA position 410, A replaced by G.
Protein change: p.Asp137Gly; replaces aspartic acid 137 with glycine.
Molecular consequence: missense variant.
Genome position (GRCh38, 1-based): chr4:3,099,336, A>G. VCF-style: chr4-3099336-A-G. GRCh37 (hg19) VCF-style: chr4-3101063-A-G.
Other names: c.416A>G, p.Asp139Gly (NM_002111.8); short protein forms D137G, D139G.
Identifiers: ClinVar variation 1510944 (VCV001510944.6), dbSNP rs988441501, ClinGen allele CA91446273.

ClinVar aggregate classification (germline): Uncertain significance (1 of 4 stars; one submission).

Allele frequency attached by ClinVar (database versions not stated): TOPMed below 0.00001.

Submission:

Labcorp Genetics (formerly Invitae), Labcorp
Classification: Uncertain significance. Last evaluated: 2023-07-17. Review status: criteria provided, single submitter. Criteria: Invitae Variant Classification Sherloc (09022015). Collection method: clinical testing. Allele origin: germline.
Comment: In summary, the available evidence is currently insufficient to determine the role of this variant in disease. Therefore, it has been classified as a Variant of Uncertain Significance. Experimental studies and prediction algorithms are not available or were not evaluated, and the functional significance of this variant is currently unknown. ClinVar contains an entry for this variant (Variation ID: 1510944). This variant has not been reported in the literature in individuals affected with HTT-related conditions. This variant is not present in population databases (gnomAD no frequency). This sequence change replaces aspartic acid, which is acidic and polar, with glycine, which is neutral and non-polar, at codon 139 of the HTT protein (p.Asp139Gly).